The following is an entry in ClinVar:

ClinVar aggregate classification (germline): Uncertain significance. Review status: criteria provided, multiple submitters, no conflicts (2 of 4 stars). 2 submissions from 2 submitters: Uncertain significance (2). Last evaluated 2025-09-09.

Conditions:
Episodic kinesigenic dyskinesia (EKD). Also called: Paroxysmal kinesigenic dyskinesia. Identifiers: Orphanet 98809, MedGen C1868682, MONDO:0044202.

Allele frequency attached by ClinVar (database versions not stated): gnomAD 0.00001; TOPMed 0.00002.
gnomAD v4.1: 1 of 1,613,082 alleles (0.000062%); highest among the groups gnomAD compares: African/African-American, 0.0013%; no homozygotes.

Submissions (2):

Labcorp Genetics (formerly Invitae), Labcorp
Classification: Uncertain significance for Episodic kinesigenic dyskinesia. Last evaluated: 2025-09-09. Review status: criteria provided, single submitter. Criteria: Invitae Variant Classification Sherloc (09022015). Collection method: clinical testing. Allele origin: germline.
Comment: This sequence change replaces glutamine, which is neutral and polar, with proline, which is neutral and non-polar, at codon 149 of the PRRT2 protein (p.Gln149Pro). This variant is not present in population databases (gnomAD no frequency). This variant has not been reported in the literature in individuals affected with PRRT2-related conditions. ClinVar contains an entry for this variant (Variation ID: 1426210). Invitae Evidence Modeling of protein sequence and biophysical properties (such as structural, functional, and spatial information, amino acid conservation, physicochemical variation, residue mobility, and thermodynamic stability) indicates that this missense variant is not expected to disrupt PRRT2 protein function with a negative predictive value of 95%. In summary, the available evidence is currently insufficient to determine the role of this variant in disease. Therefore, it has been classified as a Variant of Uncertain Significance.

Women's Health and Genetics/Laboratory Corporation of America, LabCorp
Classification: Uncertain significance. Last evaluated: 2025-05-21. Review status: criteria provided, single submitter. Criteria: LabCorp Variant Classification Summary - May 2015. Collection method: clinical testing. Allele origin: germline.
Comment: Variant summary: PRRT2 c.446A>C (p.Gln149Pro) results in a non-conservative amino acid change in the encoded protein sequence. Algorithms developed to predict the effect of missense changes on protein structure and function are either unavailable or do not agree on the potential impact of this missense change. The variant was absent in 250000 control chromosomes. The available data on variant occurrences in the general population are insufficient to allow any conclusion about variant significance. To our knowledge, no occurrence of c.446A>C in individuals affected with Episodic Kinesigenic Dyskinesia 1 and no experimental evidence demonstrating its impact on protein function have been reported. ClinVar contains an entry for this variant (Variation ID: 1426210). Based on the evidence outlined above, the variant was classified as uncertain significance.

NM_145239.3(PRRT2):c.446A>C (p.Gln149Pro)

Genes: MVP-DT (MVP divergent transcript; minus strand), PRRT2 (proline rich transmembrane protein 2; plus strand). Cytogenetic location: 16p11.2.
Variant type: single nucleotide variant.
Coding change: c.446A>C on transcript NM_145239.3 (MANE Select); coding-DNA position 446, A replaced by C.
Protein change: p.Gln149Pro; replaces glutamine 149 with proline.
Molecular consequence: missense variant.
Genome position (GRCh38, 1-based): chr16:29,813,500, A>C. VCF-style: chr16-29813500-A-C. GRCh37 (hg19) VCF-style: chr16-29824821-A-C.
Other names: c.446A>C, p.Gln149Pro (NM_001256442.2, NM_001256443.2); short protein forms Q149P.
Identifiers: ClinVar variation 1426210 (VCV001426210.7), dbSNP rs1183608934, ClinGen allele CA395478720.